The following is an entry in ClinVar:

NM_170665.4(ATP2A2):c.1881C>G (p.Asn627Lys)

Genes: ATP2A2 (ATPase sarcoplasmic/endoplasmic reticulum Ca2+ transporting 2; plus strand), LOC126861637 (MED14-independent group 3 enhancer GRCh37_chr12:110778306-110779505; plus strand). Cytogenetic location: 12q24.11.
Variant type: single nucleotide variant.
Coding change: c.1881C>G on transcript NM_170665.4 (MANE Select); coding-DNA position 1881, C replaced by G.
Protein change: p.Asn627Lys; replaces asparagine 627 with lysine.
Molecular consequence: missense variant.
Genome position (GRCh38, 1-based): chr12:110,340,778, C>G. VCF-style: chr12-110340778-C-G. GRCh37 (hg19) VCF-style: chr12-110778583-C-G.
Other names: c.1776C>G, p.Asn592Lys (NM_001413013.1); c.1881C>G, p.Asn627Lys (NM_001413014.1, NM_001681.4); c.1506C>G, p.Asn502Lys (NM_001413015.1); short protein forms N627K, N502K, N592K.
Identifiers: ClinVar variation 4737659 (VCV004737659.1).

ClinVar aggregate classification (germline): Uncertain significance (1 of 4 stars; one submission).

Submission:

Labcorp Genetics (formerly Invitae), Labcorp
Classification: Uncertain significance. Last evaluated: 2026-01-22. Review status: criteria provided, single submitter. Criteria: Invitae Variant Classification Sherloc (09022015). Collection method: clinical testing. Allele origin: germline.
Comment: This sequence change replaces asparagine, which is neutral and polar, with lysine, which is basic and polar, at codon 627 of the ATP2A2 protein (p.Asn627Lys). This variant is not present in population databases (gnomAD no frequency). This missense change has been observed in individual(s) with Darier disease (internal data). Invitae Evidence Modeling of protein sequence and biophysical properties (such as structural, functional, and spatial information, amino acid conservation, physicochemical variation, residue mobility, and thermodynamic stability) indicates that this missense variant is expected to disrupt ATP2A2 protein function with a positive predictive value of 80%. In summary, the available evidence is currently insufficient to determine the role of this variant in disease. Therefore, it has been classified as a Variant of Uncertain Significance.